The following is an entry in ClinVar:

ClinVar aggregate classification (germline): Conflicting classifications of pathogenicity. Review status: criteria provided, conflicting classifications (1 of 4 stars). 4 submissions from 4 submitters: Likely pathogenic (2); Uncertain significance (2). Last evaluated 2025-10-28.

Conditions:
Autosomal recessive axonal neuropathy with neuromyotonia (NMAN). Also called: Gamstorp-Wohlfart syndrome; Neuromyotonia and axonal neuropathy, autosomal recessive; MYOKYMIA, MYOTONIA, AND MUSCLE WASTING. Identifiers: Orphanet 324442, MedGen C5700127, MONDO:0007646, OMIM 137200.

Allele frequency attached by ClinVar (database versions not stated): gnomAD 0.00001; ExAC 0.00002; gnomAD exomes 0.00002 and 0.00003; ESP Exome Variant Server 0.00008.
gnomAD v4.1: 48 of 1,613,712 alleles (0.003%); highest among the groups gnomAD compares: Middle Eastern, 0.033%; no homozygotes.

Submissions (4):

Labcorp Genetics (formerly Invitae), Labcorp
Classification: Likely pathogenic for Autosomal recessive axonal neuropathy with neuromyotonia. Last evaluated: 2025-10-28. Review status: criteria provided, single submitter. Criteria: Invitae Variant Classification Sherloc (09022015). Collection method: clinical testing. Allele origin: germline.
Comment: This sequence change replaces arginine, which is basic and polar, with glutamine, which is neutral and polar, at codon 95 of the HINT1 protein (p.Arg95Gln). This variant is present in population databases (rs373197800, gnomAD 0.004%). This missense change has been observed in individual(s) with clinical features of HINT1-related conditions (PMID: 33663550). In at least one individual the data is consistent with being in trans (on the opposite chromosome) from a pathogenic variant. ClinVar contains an entry for this variant (Variation ID: 811058). An algorithm developed to predict the effect of missense changes on protein structure and function (PolyPhen-2) suggests that this variant is likely to be disruptive. Experimental studies have shown that this missense change affects HINT1 function (PMID: 33663550). In summary, the currently available evidence indicates that the variant is pathogenic, but additional data are needed to prove that conclusively. Therefore, this variant has been classified as Likely Pathogenic.

Women's Health and Genetics/Laboratory Corporation of America, LabCorp
Classification: Likely pathogenic for Autosomal recessive axonal neuropathy with neuromyotonia. Last evaluated: 2025-06-12. Review status: criteria provided, single submitter. Criteria: LabCorp Variant Classification Summary - May 2015. Collection method: clinical testing. Allele origin: germline.
Comment: Variant summary: HINT1 c.284G>A (p.Arg95Gln) results in a conservative amino acid change in the encoded protein sequence. Algorithms developed to predict the effect of missense changes on protein structure and function are either unavailable or do not agree on the potential impact of this missense change. The variant allele was found at a frequency of 2.4e-05 in 251382 control chromosomes (gnomAD). c.284G>A has been observed in individuals affected with Autosomal Recessive Axonal Neuropathy With Neuromyotonia (Amor-Barris_2021). This publication also reported experimental evidence evaluating an impact on protein function, demonstrating loss of function in in vitro expression systems, and absence of protein in patient derived cells (Amor-Barris_2021). The following publication have been ascertained in the context of this evaluation (PMID: 33663550). ClinVar contains an entry for this variant (Variation ID: 811058). Based on the evidence outlined above, the variant was classified as likely pathogenic.

GeneDx
Classification: Uncertain significance. Last evaluated: 2020-12-11. Review status: criteria provided, single submitter. Criteria: GeneDx Variant Classification Process June 2021. Collection method: clinical testing. Allele origin: germline. Affected: yes.
Comment: Not observed at a significant frequency in large population cohorts (Lek et al., 2016); In silico analysis supports that this missense variant has a deleterious effect on protein structure/function; Has not been previously published as pathogenic or benign to our knowledge

ARUP Laboratories, Molecular Genetics and Genomics, ARUP Laboratories
Classification: Uncertain significance for Autosomal recessive axonal neuropathy with neuromyotonia. Last evaluated: 2018-08-13. Review status: criteria provided, single submitter. Criteria: ARUP Molecular Germline Variant Investigation Process. Collection method: clinical testing. Allele origin: germline.
Comment: The HINT1 p.Arg95Gln variant (rs373197800), to our knowledge, has not been reported in the medical literature or gene specific databases. This variant is found in the general population with an overall allele frequency of 0.0004% (1/275,000 alleles) in the Genome Aggregation Database. The arginine at codon 95 is moderately conserved, and computational analyses (SIFT: tolerated, PolyPhen-2: probably damaging) predict conflicting effects of this variant on protein structure/function. However, a nearby variant, p.Gly93Asp, has been observed in trans with a pathogenic variant, p.Gln62Ter, in two siblings with neuromytonia (Hahn 1991 and Zimon 2012), suggesting this region of HINT1 is critical for protein function. However, based on the available information, the clinical significance of the p.Arg95Gln variant is uncertain. Zimon M et al. Loss-of-function mutations in HINT1 cause axonal neuropathy with neuromyotonia. Nat Genet. 2012 Oct;44(10):1080-3. Hahn AF et al. Neuromyotonia in hereditary motor neuropathy. J Neurol Neurosurg Psychiatry. 1991 Mar;54(3):230-5.

Literature cited by the submitters: PubMed 33663550 (cited by Labcorp Genetics (formerly Invitae), Labcorp and Women's Health and Genetics/Laboratory Corporation of America, LabCorp).

NM_005340.7(HINT1):c.284G>A (p.Arg95Gln)

Gene: HINT1 (histidine triad nucleotide binding protein 1; minus strand). Cytogenetic location: 5q23.3.
Variant type: single nucleotide variant.
Coding change: c.284G>A on transcript NM_005340.7 (MANE Select); coding-DNA position 284, G replaced by A.
Protein change: p.Arg95Gln; replaces arginine 95 with glutamine.
Molecular consequence: missense variant. On other transcripts: non-coding transcript variant (5).
Genome position (GRCh38, 1-based): chr5:131,159,544, C>T on the plus strand (G>A on the coding strand, the complement: HINT1 is on the minus strand). VCF-style: chr5-131159544-C-T. GRCh37 (hg19) VCF-style: chr5-130495237-C-T.
Other names: short protein forms R95Q.
Identifiers: ClinVar variation 811058 (VCV000811058.18), dbSNP rs373197800, ClinGen allele CA3398561.